The following is an entry in ClinVar:

ClinVar aggregate classification (germline): Pathogenic (1 of 4 stars; one submission).

Conditions:
Familial cancer of breast. Also called: BREAST CANCER, FAMILIAL; hereditary breast carcinoma; Hereditary breast cancer. Identifiers: Orphanet 227535, MedGen C0346153, MONDO:0016419, OMIM 114480. Disease mechanism: loss of function.

Allele frequency attached by ClinVar (database versions not stated): gnomAD 0.00001.
gnomAD v4.1: 1 of 1,613,404 alleles (0.000062%); highest among the groups gnomAD compares: South Asian, 0.0011%; no homozygotes.

Submission:

Myriad Genetics, Inc.
Classification: Pathogenic for Familial cancer of breast. Last evaluated: 2023-05-31. Review status: criteria provided, single submitter. Criteria: Myriad Autosomal Dominant, Autosomal Recessive and X-Linked Classification Criteria (2023). Collection method: clinical testing. Allele origin: unknown.
Comment: This variant is considered pathogenic. This variant creates a termination codon and is predicted to result in premature protein truncation.

NM_032043.3(BRIP1):c.502C>T (p.Gln168Ter)

Gene: BRIP1 (BRCA1 interacting DNA helicase 1; minus strand). Cytogenetic location: 17q23.2.
Variant type: single nucleotide variant.
Coding change: c.502C>T on transcript NM_032043.3 (MANE Select); coding-DNA position 502, C replaced by T.
Protein change: p.Gln168Ter; replaces glutamine 168 with a stop codon.
Molecular consequence: nonsense.
Genome position (GRCh38, 1-based): chr17:61,849,134, G>A on the plus strand (C>T on the coding strand, the complement: BRIP1 is on the minus strand). VCF-style: chr17-61849134-G-A. GRCh37 (hg19) VCF-style: chr17-59926495-G-A.
Other names: short protein forms Q168*.
Identifiers: ClinVar variation 2584270 (VCV002584270.2), dbSNP rs748211848, ClinGen allele CA292278242.